The following is an entry in ClinVar:

ClinVar aggregate classification (germline): Uncertain significance (1 of 4 stars; one submission).

Conditions:
Ullrich congenital muscular dystrophy 2 (UCMD2). Identifiers: Orphanet 75840, MedGen C4225314, MONDO:0014654, OMIM 616470.
Bethlem myopathy 2 (BTHLM2). Identifiers: Orphanet 536516, Orphanet 610, MedGen C4225313, MONDO:0034022, OMIM 616471.

Submission:

Labcorp Genetics (formerly Invitae), Labcorp
Classification: Uncertain significance for Bethlem myopathy 2; Ullrich congenital muscular dystrophy 2. Last evaluated: 2024-09-15. Review status: criteria provided, single submitter. Criteria: Invitae Variant Classification Sherloc (09022015). Collection method: clinical testing. Allele origin: germline.
Comment: This sequence change replaces glycine, which is neutral and non-polar, with valine, which is neutral and non-polar, at codon 2815 of the COL12A1 protein (p.Gly2815Val). This variant is not present in population databases (gnomAD no frequency). This variant has not been reported in the literature in individuals affected with COL12A1-related conditions. An algorithm developed to predict the effect of missense changes on protein structure and function (PolyPhen-2) suggests that this variant is likely to be disruptive. Algorithms developed to predict the effect of sequence changes on RNA splicing suggest that this variant may disrupt the consensus splice site. In summary, the available evidence is currently insufficient to determine the role of this variant in disease. Therefore, it has been classified as a Variant of Uncertain Significance.

NM_004370.6(COL12A1):c.8444G>T (p.Gly2815Val)

Gene: COL12A1 (collagen type XII alpha 1 chain; minus strand). Cytogenetic location: 6q13.
Variant type: single nucleotide variant.
Coding change: c.8444G>T on transcript NM_004370.6 (MANE Select); coding-DNA position 8444, G replaced by T.
Protein change: p.Gly2815Val; replaces glycine 2815 with valine.
Molecular consequence: missense variant.
Genome position (GRCh38, 1-based): chr6:75,102,024, C>A on the plus strand (G>T on the coding strand, the complement: COL12A1 is on the minus strand). VCF-style: chr6-75102024-C-A. GRCh37 (hg19) VCF-style: chr6-75811740-C-A.
Other names: c.8444G>T, p.Gly2815Val (NM_001424113.1); c.8423G>T, p.Gly2808Val (NM_001424114.1); c.8171G>T, p.Gly2724Val (NM_001424115.1); c.4952G>T, p.Gly1651Val (NM_001424116.1, NM_080645.3); short protein forms G1651V, G2724V, G2808V, G2815V.
Identifiers: ClinVar variation 3758843 (VCV003758843.2).
Genomic context (GRCh38, chr6:75,102,024, plus strand): 5'-TAGCACATGACAGGGCAACTTAGAGACCAACTCACTGTTCGGCCTGGAAGTCCTGGCTCT[C>A]CAGCATCACCTTTCATCCCTTGGCGACCCTAGAGTGAGCAATGGGAAAACAGTTCTCAGG-3'
Protein context (NP_004361.3, residues 2805-2825): QGRQGMKGDA[Gly2815Val]EPGLPGRTGT